The following is an entry in ClinVar:

NM_145239.3(PRRT2):c.944T>C (p.Leu315Pro)

Genes: MVP-DT (MVP divergent transcript; minus strand), PRRT2 (proline rich transmembrane protein 2; plus strand). Cytogenetic location: 16p11.2.
Variant type: single nucleotide variant.
Coding change: c.944T>C on transcript NM_145239.3 (MANE Select); coding-DNA position 944, T replaced by C.
Protein change: p.Leu315Pro; replaces leucine 315 with proline.
Molecular consequence: missense variant. On other transcripts: 3 prime UTR variant (1).
Genome position (GRCh38, 1-based): chr16:29,814,397, T>C. VCF-style: chr16-29814397-T-C. GRCh37 (hg19) VCF-style: chr16-29825718-T-C.
Other names: c.944T>C, p.Leu315Pro (NM_001256442.2); c.*443T>C (NM_001256443.2); short protein forms L315P.
Identifiers: ClinVar variation 2570937 (VCV002570937.27), dbSNP rs2543339146, ClinGen allele CA395480659.

ClinVar aggregate classification (germline): Uncertain significance (1 of 4 stars; one submission).

Submission:

CeGaT Center for Human Genetics Tuebingen
Classification: Uncertain significance. Last evaluated: 2023-05-01. Review status: criteria provided, single submitter. Criteria: CeGaT Center For Human Genetics Tuebingen Variant Classification Criteria Version 2. Collection method: clinical testing. Allele origin: germline. Affected: yes. Observed: 1 variant allele.
Comment: PRRT2: PM2, PS2:Supporting